The following is an entry in ClinVar:

NM_201384.3(PLEC):c.10585C>T (p.Arg3529Trp)

Gene: PLEC (plectin; minus strand). Cytogenetic location: 8q24.3.
Variant type: single nucleotide variant.
Coding change: c.10585C>T on transcript NM_201384.3 (MANE Select); coding-DNA position 10585, C replaced by T.
Protein change: p.Arg3529Trp; replaces arginine 3529 with tryptophan.
Molecular consequence: missense variant.
Genome position (GRCh38, 1-based): chr8:143,919,236, G>A on the plus strand (C>T on the coding strand, the complement: PLEC is on the minus strand). VCF-style: chr8-143919236-G-A. GRCh37 (hg19) VCF-style: chr8-144993404-G-A.
Other names: c.10666C>T, p.Arg3556Trp (NM_000445.5); c.10543C>T, p.Arg3515Trp (NM_201378.4); c.10519C>T, p.Arg3507Trp (NM_201379.3); c.10996C>T, p.Arg3666Trp (NM_201380.4); c.10489C>T, p.Arg3497Trp (NM_201381.3); c.10585C>T, p.Arg3529Trp (NM_201382.4); c.10597C>T, p.Arg3533Trp (NM_201383.3); short protein forms R3497W, R3507W, R3515W, R3529W, R3533W, R3556W, R3666W.
Identifiers: ClinVar variation 521144 (VCV000521144.10), dbSNP rs782802840, ClinGen allele CA4924601.

ClinVar aggregate classification (germline): Uncertain significance. Review status: criteria provided, multiple submitters, no conflicts (2 of 4 stars). 2 submissions from 2 submitters: Uncertain significance (2). Last evaluated 2024-12-09.

Conditions:
Epidermolysis bullosa simplex 5C, with pyloric atresia (EBS5C). Also called: PLEC-Related Epidermolysis Bullosa with Pyloric Atresia; Epidermolysis bullosa simplex with pyloric atresia; PLEC1-Related Epidermolysis Bullosa with Pyloric Atresia. Identifiers: Orphanet 158684, MedGen C2677349, MONDO:0012807, OMIM 612138.
Autosomal recessive limb-girdle muscular dystrophy type 2Q (LGMDR17). Also called: MUSCULAR DYSTROPHY, LIMB-GIRDLE, AUTOSOMAL RECESSIVE 17. Identifiers: Orphanet 254361, MedGen C3150989, MONDO:0013390, OMIM 613723.
Epidermolysis bullosa simplex 5B, with muscular dystrophy (EBS5B). Also called: Epidermolysis bullosa simplex with muscular dystrophy; EPIDERMOLYSIS BULLOSA SIMPLEX AND LIMB-GIRDLE MUSCULAR DYSTROPHY. Identifiers: Orphanet 257, MedGen C2931072, MONDO:0009181, OMIM 226670.
Epidermolysis bullosa simplex, Ogna type (EBS5A). Also called: Pidermolysis bullosa simplex 5A, Ogna type; EPIDERMOLYSIS BULLOSA SIMPLEX 5A, OGNA TYPE. Identifiers: Orphanet 79401, MedGen C0432317, MONDO:0007555, OMIM 131950.
Epidermolysis bullosa simplex with nail dystrophy (EBS5D). Identifiers: MedGen C4225309, MONDO:0014661, OMIM 616487.
Inborn genetic diseases. Identifiers: MedGen C0950123, MeSH D030342.

Allele frequency attached by ClinVar (database versions not stated): ExAC 0.00012; gnomAD 0.00001; TOPMed 0.00003; gnomAD exomes 0.00004 and 0.00007.
gnomAD v4.1: 55 of 1,613,706 alleles (0.0034%); highest among the groups gnomAD compares: Admixed American, 0.02%; no homozygotes.

Submissions (2):

Labcorp Genetics (formerly Invitae), Labcorp
Classification: Uncertain significance for Autosomal recessive limb-girdle muscular dystrophy type 2Q; Epidermolysis bullosa simplex, Ogna type; Epidermolysis bullosa simplex with nail dystrophy; Epidermolysis bullosa simplex 5C, with pyloric atresia; Epidermolysis bullosa simplex 5B, with muscular dystrophy. Last evaluated: 2024-12-09. Review status: criteria provided, single submitter. Criteria: Invitae Variant Classification Sherloc (09022015). Collection method: clinical testing. Allele origin: germline.
Comment: This sequence change replaces arginine, which is basic and polar, with tryptophan, which is neutral and slightly polar, at codon 3556 of the PLEC protein (p.Arg3556Trp). This variant is present in population databases (rs782802840, gnomAD 0.03%). This variant has not been reported in the literature in individuals affected with PLEC-related conditions. ClinVar contains an entry for this variant (Variation ID: 521144). Invitae Evidence Modeling of protein sequence and biophysical properties (such as structural, functional, and spatial information, amino acid conservation, physicochemical variation, residue mobility, and thermodynamic stability) indicates that this missense variant is not expected to disrupt PLEC protein function with a negative predictive value of 80%. In summary, the available evidence is currently insufficient to determine the role of this variant in disease. Therefore, it has been classified as a Variant of Uncertain Significance.

Ambry Genetics
Classification: Uncertain significance for Inborn genetic diseases. Last evaluated: 2016-06-06. Review status: criteria provided, single submitter. Criteria: Ambry exome assertion method (8-5-2015). Collection method: clinical testing. Allele origin: germline. Affected: yes. Observed: 1 variant allele.